The following is an entry in ClinVar:

NM_024642.5(GALNT12):c.788A>G (p.Asn263Ser)

Gene: GALNT12 (polypeptide N-acetylgalactosaminyltransferase 12; plus strand). Cytogenetic location: 9q22.33.
Variant type: single nucleotide variant.
Coding change: c.788A>G on transcript NM_024642.5 (MANE Select); coding-DNA position 788, A replaced by G.
Protein change: p.Asn263Ser; replaces asparagine 263 with serine.
Molecular consequence: missense variant.
Genome position (GRCh38, 1-based): chr9:98,831,828, A>G. VCF-style: chr9-98831828-A-G. GRCh37 (hg19) VCF-style: chr9-101594110-A-G.
Other names: short protein forms N263S.
Identifiers: ClinVar variation 3227961 (VCV003227961.1), dbSNP rs2490517425, ClinGen allele CA374218010.

ClinVar aggregate classification (germline): Uncertain significance (1 of 4 stars; one submission).

Submission:

Ambry Genetics
Classification: Uncertain significance. Last evaluated: 2024-01-25. Review status: criteria provided, single submitter. Criteria: Ambry Variant Classification Scheme 2023. Collection method: clinical testing. Allele origin: germline.
Comment: The p.N263S variant (also known as c.788A>G), located in coding exon 4 of the GALNT12 gene, results from an A to G substitution at nucleotide position 788. The asparagine at codon 263 is replaced by serine, an amino acid with highly similar properties. This amino acid position is conserved. In addition, this alteration is predicted to be tolerated by in silico analysis. Based on the available evidence, the clinical significance of this alteration remains unclear.